The following is an entry in ClinVar:

ClinVar aggregate classification (germline): Uncertain significance. Review status: criteria provided, multiple submitters, no conflicts (2 of 4 stars). 3 submissions from 3 submitters: Uncertain significance (3). Last evaluated 2024-11-19.

Conditions:
PKHD1-related disorder. Also called: PKHD1-related condition.

Submissions (3):

GeneDx
Classification: Uncertain significance. Last evaluated: 2024-11-19. Review status: criteria provided, single submitter. Criteria: GeneDx Variant Classification Process June 2021. Collection method: clinical testing. Allele origin: germline. Affected: yes.
Comment: Not observed at significant frequency in large population cohorts (gnomAD); In silico analysis supports that this missense variant has a deleterious effect on protein structure/function; Has not been previously published as pathogenic or benign to our knowledge

PreventionGenetics, part of Exact Sciences
Classification: Uncertain significance for PKHD1-related condition. Last evaluated: 2024-11-15. Review status: criteria provided, single submitter. Criteria: ACMG Guidelines, 2015. Collection method: clinical testing. Allele origin: germline.
Comment: The PKHD1 c.3731A>C variant is predicted to result in the amino acid substitution p.Glu1244Ala. To our knowledge, this variant has not been reported in the literature or in a large population database (gnomAD), indicating this variant is rare. At this time, the clinical significance of this variant is uncertain due to the absence of conclusive functional and genetic evidence.

Eurofins Ntd Llc (ga)
Classification: Uncertain significance. Last evaluated: 2016-02-04. Review status: criteria provided, single submitter. Criteria: EGL Classification Definitions 2015. Collection method: clinical testing. Allele origin: germline. Observed: 1 variant allele, 1 heterozygote.

NM_138694.4(PKHD1):c.3731A>C (p.Glu1244Ala)

Gene: PKHD1 (PKHD1 ciliary IPT domain containing fibrocystin/polyductin; minus strand). Cytogenetic location: 6p12.2.
Variant type: single nucleotide variant.
Coding change: c.3731A>C on transcript NM_138694.4 (MANE Select); coding-DNA position 3731, A replaced by C.
Protein change: p.Glu1244Ala; replaces glutamic acid 1244 with alanine.
Molecular consequence: missense variant.
Genome position (GRCh38, 1-based): chr6:52,026,079, T>G on the plus strand (A>C on the coding strand, the complement: PKHD1 is on the minus strand). VCF-style: chr6-52026079-T-G. GRCh37 (hg19) VCF-style: chr6-51890877-T-G.
Other names: c.3731A>C, p.Glu1244Ala (NM_170724.3); short protein forms E1244A.
Identifiers: ClinVar variation 285780 (VCV000285780.10), dbSNP rs886043209, ClinGen allele CA10605243.